The following is an entry in ClinVar:

NM_014855.3(AP5Z1):c.1938+7C>T

Gene: AP5Z1 (adaptor related protein complex 5 subunit zeta 1; plus strand). Cytogenetic location: 7p22.1.
Variant type: single nucleotide variant.
Coding change: c.1938+7C>T on transcript NM_014855.3 (MANE Select); 7 bases into the intron after coding-DNA position 1938, C replaced by T.
Molecular consequence: intron variant.
Genome position (GRCh38, 1-based): chr7:4,790,598, C>T. VCF-style: chr7-4790598-C-T. GRCh37 (hg19) VCF-style: chr7-4830229-C-T.
Other names: NC_000007.13:g.4830229C>T; c.1470+7C>T (NM_001364858.1).
Identifiers: ClinVar variation 2634656 (VCV002634656.3), dbSNP rs555588759, ClinGen allele CA4138190.

ClinVar aggregate classification (germline): Uncertain significance. Review status: criteria provided, multiple submitters, no conflicts (2 of 4 stars). 2 submissions from 2 submitters: Uncertain significance (2). Last evaluated 2025-04-15.

Conditions:
Hereditary spastic paraplegia 48. Also called: Spastic paraplegia 48; SPASTIC PARAPLEGIA 48, AUTOSOMAL RECESSIVE. Identifiers: Orphanet 306511, MedGen C3150901, MONDO:0013342, OMIM 613647.
AP5Z1-related disorder. Also called: AP5Z1-related condition.

Allele frequency attached by ClinVar (database versions not stated): ExAC 0.00001; gnomAD 0.00001; TOPMed 0.00002; 1000 Genomes Project 0.00020; 1000 Genomes Project 30x 0.00031.
gnomAD v4.1: 28 of 1,612,500 alleles (0.0017%); highest among the groups gnomAD compares: Middle Eastern, 0.017%; no homozygotes.

Submissions (3):

Labcorp Genetics (formerly Invitae), Labcorp
Classification: Uncertain significance for Hereditary spastic paraplegia 48. Last evaluated: 2025-04-15. Review status: criteria provided, single submitter. Criteria: Invitae Variant Classification Sherloc (09022015). Collection method: clinical testing. Allele origin: germline.
Comment: This sequence change falls in intron 15 of the AP5Z1 gene. It does not directly change the encoded amino acid sequence of the AP5Z1 protein. This variant is present in population databases (rs555588759, gnomAD 0.01%). This variant has not been reported in the literature in individuals affected with AP5Z1-related conditions. ClinVar contains an entry for this variant (Variation ID: 2634656). Algorithms developed to predict the effect of sequence changes on RNA splicing suggest that this variant may create or strengthen a splice site. In summary, the available evidence is currently insufficient to determine the role of this variant in disease. Therefore, it has been classified as a Variant of Uncertain Significance.

PreventionGenetics, part of Exact Sciences
Classification: Uncertain significance for AP5Z1-related condition. Last evaluated: 2023-07-16. Review status: criteria provided, single submitter. Criteria: ACMG Guidelines, 2015. Collection method: clinical testing. Allele origin: germline.
Comment: The AP5Z1 c.1938+7C>T variant is predicted to interfere with splicing. This variant is predicted to create a novel splice donor site based on prediction algorithms; however such predictions are not equivalent to functional evidence (Alamut Visual Plus v1.6.1). To our knowledge, this variant has not been reported in the literature. This variant is reported in 0.010% of alleles in individuals of East Asian descent in gnomAD. At this time, the clinical significance of this variant is uncertain due to the absence of conclusive functional and genetic evidence.

Dr. Peter K. Rogan Lab, Western University
No classification provided (evidence only). Condition: Pancreatic adenocarcinoma. Review status: no classification provided. Collection method: in vitro. Allele origin: not applicable. Functional consequence: retained intron. Not counted in ClinVar's aggregate classification.